The following is an entry in ClinVar:

NM_001447.3(FAT2):c.4751G>A (p.Arg1584Gln)

Genes: FAT2 (FAT atypical cadherin 2; minus strand), SLC36A1 (solute carrier family 36 member 1; plus strand). Cytogenetic location: 5q33.1.
Variant type: single nucleotide variant.
Coding change: c.4751G>A on transcript NM_001447.3 (MANE Select); coding-DNA position 4751, G replaced by A.
Protein change: p.Arg1584Gln; replaces arginine 1584 with glutamine.
Molecular consequence: missense variant.
Genome position (GRCh38, 1-based): chr5:151,549,333, C>T on the plus strand (G>A on the coding strand, the complement: FAT2 is on the minus strand). VCF-style: chr5-151549333-C-T. GRCh37 (hg19) VCF-style: chr5-150928894-C-T.
Other names: c.4751G>A (NM_001447.2); short protein forms R1584Q.
Identifiers: ClinVar variation 2156577 (VCV002156577.26), dbSNP rs140124616, ClinGen allele CA3521465.

ClinVar aggregate classification (germline): Conflicting classifications of pathogenicity. Review status: criteria provided, conflicting classifications (1 of 4 stars). 3 submissions from 3 submitters: Uncertain significance (2); Likely benign (1). Last evaluated 2025-08-27.

Allele frequency attached by ClinVar (database versions not stated): gnomAD 0.00005; ESP Exome Variant Server 0.00008; TOPMed 0.00008.
gnomAD v4.1: 43 of 1,613,550 alleles (0.0027%); highest among the groups gnomAD compares: South Asian, 0.016%; no homozygotes.

Submissions (3):

Ambry Genetics
Classification: Uncertain significance. Last evaluated: 2025-08-27. Review status: criteria provided, single submitter. Criteria: Ambry Variant Classification Scheme 2023. Collection method: clinical testing. Allele origin: germline.

CeGaT Center for Human Genetics Tuebingen
Classification: Likely benign. Last evaluated: 2024-05-01. Review status: criteria provided, single submitter. Criteria: CeGaT Center For Human Genetics Tuebingen Variant Classification Criteria Version 2. Collection method: clinical testing. Allele origin: germline. Affected: yes. Observed: 1 variant allele.
Comment: FAT2: BP4

Labcorp Genetics (formerly Invitae), Labcorp
Classification: Uncertain significance. Last evaluated: 2022-04-26. Review status: criteria provided, single submitter. Criteria: Invitae Variant Classification Sherloc (09022015). Collection method: clinical testing. Allele origin: germline.
Comment: This sequence change replaces arginine, which is basic and polar, with glutamine, which is neutral and polar, at codon 1584 of the FAT2 protein (p.Arg1584Gln). This variant is present in population databases (rs140124616, gnomAD 0.03%). This variant has not been reported in the literature in individuals affected with FAT2-related conditions. Algorithms developed to predict the effect of missense changes on protein structure and function (SIFT, PolyPhen-2, Align-GVGD) all suggest that this variant is likely to be tolerated. In summary, the available evidence is currently insufficient to determine the role of this variant in disease. Therefore, it has been classified as a Variant of Uncertain Significance.